The following is an entry in ClinVar:

NM_058174.3(COL6A2):c.2474C>G (p.Pro825Arg)

Gene: COL6A2 (collagen type VI alpha 2 chain; plus strand). Cytogenetic location: 21q22.3.
Variant type: single nucleotide variant.
Coding change: c.2474C>G on transcript NM_058174.3 (MANE Plus Clinical); coding-DNA position 2474, C replaced by G.
Protein change: p.Pro825Arg; replaces proline 825 with arginine.
Molecular consequence: missense variant. On other transcripts: 3 prime UTR variant (1), intron variant (1).
Genome position (GRCh38, 1-based): chr21:46,129,208, C>G. VCF-style: chr21-46129208-C-G. GRCh37 (hg19) VCF-style: chr21-47549122-C-G.
Other names: c.*280C>G (NM_058175.3); c.2461+2667C>G (NM_001849.4); short protein forms P825R.
Identifiers: ClinVar variation 2635762 (VCV002635762.1), dbSNP rs147420235, ClinGen allele CA10072732.

ClinVar aggregate classification (germline): Uncertain significance (1 of 4 stars; one submission).

Conditions:
COL6A2-related disorder.

Allele frequency attached by ClinVar (database versions not stated): ESP Exome Variant Server 0.00008; 1000 Genomes Project 30x 0.00016.
gnomAD v4.1: 62 of 1,612,916 alleles (0.0038%); highest among the groups gnomAD compares: African/African-American, 0.081%; no homozygotes.

Submission:

PreventionGenetics, part of Exact Sciences
Classification: Uncertain significance for COL6A2-related condition. Last evaluated: 2023-02-20. Review status: criteria provided, single submitter. Criteria: ACMG Guidelines, 2015. Collection method: clinical testing. Allele origin: germline.
Comment: The COL6A2 c.2474C>G variant is predicted to result in the amino acid substitution p.Pro825Arg. To our knowledge, this variant has not been reported in the literature. This variant is reported in 0.065% of alleles in individuals of African descent in gnomAD. At this time, the clinical significance of this variant is uncertain due to the absence of conclusive functional and genetic evidence.